The following is an entry in ClinVar:

ClinVar aggregate classification (germline): Uncertain significance. Review status: criteria provided, multiple submitters, no conflicts (2 of 4 stars). 2 submissions from 2 submitters: Uncertain significance (2). Last evaluated 2022-06-23.

Conditions:
Hyperekplexia 3 (HKPX3). Also called: HYPEREKPLEXIA 3, AUTOSOMAL RECESSIVE; HYPEREKPLEXIA 3, AUTOSOMAL DOMINANT. Identifiers: Orphanet 3197, MedGen C3553288, MONDO:0013827, OMIM 614618.

Allele frequency attached by ClinVar (database versions not stated): gnomAD exomes below 0.00001; TOPMed below 0.00001.
gnomAD v4.1: 2 of 1,613,414 alleles (0.00012%); highest among the groups gnomAD compares: Non-Finnish European, 0.00017%; no homozygotes.

Submissions (2):

Labcorp Genetics (formerly Invitae), Labcorp
Classification: Uncertain significance for Hyperekplexia 3. Last evaluated: 2022-06-23. Review status: criteria provided, single submitter. Criteria: Invitae Variant Classification Sherloc (09022015). Collection method: clinical testing. Allele origin: germline.
Comment: This sequence change falls in intron 11 of the SLC6A5 gene. It does not directly change the encoded amino acid sequence of the SLC6A5 protein. In summary, the available evidence is currently insufficient to determine the role of this variant in disease. Therefore, it has been classified as a Variant of Uncertain Significance. Algorithms developed to predict the effect of sequence changes on RNA splicing suggest that this variant may disrupt the consensus splice site. ClinVar contains an entry for this variant (Variation ID: 1028705). This variant has not been reported in the literature in individuals affected with SLC6A5-related conditions. This variant is not present in population databases (gnomAD no frequency).

Baylor Genetics
Classification: Uncertain significance for Hyperekplexia 3. Last evaluated: 2020-01-21. Review status: criteria provided, single submitter. Criteria: ACMG Guidelines, 2015. Collection method: clinical testing. Allele origin: unknown. Affected: yes.
Comment: This variant was determined to be of uncertain significance according to ACMG Guidelines, 2015 [PMID:25741868].

NM_004211.5(SLC6A5):c.1738-8G>A

Gene: SLC6A5 (solute carrier family 6 member 5; plus strand). Cytogenetic location: 11p15.1.
Variant type: single nucleotide variant.
Coding change: c.1738-8G>A on transcript NM_004211.5 (MANE Select); 8 bases into the intron before coding-DNA position 1738, G replaced by A.
Molecular consequence: intron variant.
Genome position (GRCh38, 1-based): chr11:20,637,164, G>A. VCF-style: chr11-20637164-G-A. GRCh37 (hg19) VCF-style: chr11-20658710-G-A.
Other names: c.1036-8G>A (NM_001318369.2).
Identifiers: ClinVar variation 1028705 (VCV001028705.8), dbSNP rs1853223940, ClinGen allele CA1956624042.